The following is an entry in ClinVar:

ClinVar aggregate classification (germline): Pathogenic (1 of 4 stars; one submission).

Conditions:
Autosomal recessive limb-girdle muscular dystrophy. Identifiers: Orphanet 102015, MedGen C2931907, MONDO:0015152.

Submission:

Myriad Genetics, Inc.
Classification: Pathogenic for Autosomal recessive limb-girdle muscular dystrophy. Last evaluated: 2025-01-03. Review status: criteria provided, single submitter. Criteria: Myriad Autosomal Dominant, Autosomal Recessive and X-Linked Classification Criteria (2023). Collection method: clinical testing. Allele origin: unknown.
Comment: NM_003494.3(DYSF):c.4945delG(D1649Tfs*73) is expected to be pathogenic in the context of dysferlinopathy. This variant is predicted to lead to an abnormal or absent protein product due to the creation of a premature termination codon in DYSF, a gene where loss-of-function variants are known to be pathogenic. Please note: this variant was assessed in the context of healthy population screening.

NM_001130987.2(DYSF):c.5062del (p.Asp1688fs)

Gene: DYSF (dysferlin; plus strand). Cytogenetic location: 2p13.2.
Variant type: Deletion.
Coding change: c.5062del on transcript NM_001130987.2 (MANE Select); coding-DNA position 5062, one base deleted (G; older notation c.5062delG).
Protein change: p.Asp1688fs; shifts the reading frame from aspartic acid 1688.
Molecular consequence: frameshift variant.
Genome position (GRCh38, 1-based): chr2:71,664,326, G deleted. VCF-style (leftmost placement, unchanged base first): chr2-71664325-TG-T. GRCh37 (hg19) VCF-style: chr2-71891455-TG-T.
Other names: c.4948del, p.Asp1650fs (NM_001130455.2); c.4903del, p.Asp1635fs (NM_001130976.2); c.4966del, p.Asp1656fs (NM_001130977.2); c.5008del, p.Asp1670fs (NM_001130978.2); c.5038del, p.Asp1680fs (NM_001130979.2); c.4996del, p.Asp1666fs (NM_001130980.2); c.5059del, p.Asp1687fs (NM_001130981.2); c.5041del, p.Asp1681fs (NM_001130982.2); and 5 more; short protein forms D1635fs, D1636fs, D1649fs, D1650fs, D1656fs, D1657fs, D1666fs, D1667fs.
Identifiers: ClinVar variation 5013921 (VCV005013921.1).
Genomic context (GRCh38, chr2:71,664,325, plus strand): 5'-CAGGATGTTCGAGCTGACCTGCACTCTGCCTCTGGAGAAGGACCTAAAGATCACTCTCTA[TG>T]ACTATGACCTCCTCTCCAAGGACGAAAAGATCGGTGAGACGGTCGTCGACCTGGAGAACA-3'